The following is an entry in ClinVar:

NM_000179.3(MSH6):c.3430_3431insAA (p.Met1144fs)

Gene: MSH6 (mutS homolog 6; plus strand). Cytogenetic location: 2p16.3.
Variant type: Insertion.
Coding change: c.3430_3431insAA on transcript NM_000179.3 (MANE Select); coding-DNA positions 3430 to 3431, AA inserted.
Protein change: p.Met1144fs; shifts the reading frame from methionine 1144.
Molecular consequence: frameshift variant. On other transcripts: non-coding transcript variant (5).
Genome position: GRCh38 VCF-style: chr2-47803676-T-TAA. GRCh37 (hg19) VCF-style: chr2-48030815-T-TAA.
Other names: c.3040_3041insAA, p.Met1014fs (NM_001281492.2); c.2524_2525insAA, p.Met842fs (NM_001281493.2, NM_001281494.2, NM_001406811.1 and 6 more transcripts); c.3526_3527insAA, p.Met1176fs (NM_001406795.1, NM_001406802.1); c.3430_3431insAA, p.Met1144fs (NM_001406796.1, NM_001406800.1, NM_001406808.1 and 1 more transcripts); c.3133_3134insAA, p.Met1045fs (NM_001406797.1, NM_001406801.1, NM_001406805.1 and 10 more transcripts); c.3256_3257insAA, p.Met1086fs (NM_001406798.1); c.2905_2906insAA, p.Met969fs (NM_001406799.1, NM_001406806.1, NM_001406807.1); c.2566_2567insAA, p.Met856fs (NM_001406803.1); and 7 more; short protein forms M1014fs, M1045fs, M1086fs, M1088fs, M1118fs, M1144fs, M1146fs, M1176fs.
Identifiers: ClinVar variation 3075774 (VCV003075774.1), dbSNP rs2530777027, ClinGen allele CA2586964928.

ClinVar aggregate classification (germline): Likely pathogenic (1 of 4 stars; one submission).

Conditions:
Lynch syndrome. Identifiers: Orphanet 144, MedGen C4552100, MONDO:0005835. Disease mechanism: loss of function.

Submission:

Laboratory for Molecular Medicine, Mass General Brigham Personalized Medicine
Classification: Likely pathogenic for Lynch syndrome. Last evaluated: 2019-05-08. Review status: criteria provided, single submitter. Criteria: ACMG Guidelines, 2015. Collection method: clinical testing. Allele origin: germline.
Comment: The p.Met1144LysfsX2 variant in MSH6 has not been previously reported in individuals with Lynch Syndrome and was absent from large population studies. This variant is predicted to cause a frameshift, which alters the protein’s amino acid sequence beginning at position 1144 and leads to a premature termination codon 2 amino acids downstream. This alteration is then predicted to lead to a truncated or absent protein. Heterozygous loss of function of the MSH6 gene is an established disease mechanism in individuals with Lynch syndrome. In summary, this variant meets criteria to be classified as likely pathogenic for autosomal dominant Lynch syndrome. ACMG/AMP criteria applied: PVS1, PM2.